The following is an entry in ClinVar:

NM_001365276.2(TNXB):c.8435G>T (p.Arg2812Leu)

Gene: TNXB (tenascin XB; minus strand). Cytogenetic location: 6p21.33.
Variant type: single nucleotide variant.
Coding change: c.8435G>T on transcript NM_001365276.2 (MANE Select); coding-DNA position 8435, G replaced by T.
Protein change: p.Arg2812Leu; replaces arginine 2812 with leucine.
Molecular consequence: missense variant.
Genome position (GRCh38, 1-based): chr6:32,055,883, C>A on the plus strand (G>T on the coding strand, the complement: TNXB is on the minus strand). VCF-style: chr6-32055883-C-A. GRCh37 (hg19) VCF-style: chr6-32023660-C-A.
Other names: c.9176G>T, p.Arg3059Leu (NM_001428335.1); c.8435G>T, p.Arg2812Leu (NM_019105.8); short protein forms R2812L, R3059L.
Identifiers: ClinVar variation 4086311 (VCV004086311.2).

ClinVar aggregate classification (germline): Conflicting classifications of pathogenicity. Review status: criteria provided, conflicting classifications (1 of 4 stars). 2 submissions from 2 submitters: Uncertain significance (1); Likely benign (1). Last evaluated 2026-03-04.

Conditions:
Cardiovascular phenotype. Identifiers: MedGen CN230736.

gnomAD v4.1: 9 of 1,612,738 alleles (0.00056%); highest among the groups gnomAD compares: Middle Eastern, 0.016%; no homozygotes.

Submissions (2):

Ambry Genetics
Classification: Likely benign for Cardiovascular phenotype. Last evaluated: 2026-03-04. Review status: criteria provided, single submitter. Criteria: Ambry Variant Classification Scheme 2023. Collection method: clinical testing. Allele origin: germline.

GeneDx
Classification: Uncertain significance. Last evaluated: 2025-03-18. Review status: criteria provided, single submitter. Criteria: GeneDx Variant Classification Process June 2021. Collection method: clinical testing. Allele origin: germline. Affected: yes.
Comment: Not observed at significant frequency in large population cohorts (gnomAD); In silico analysis supports that this missense variant has a deleterious effect on protein structure/function; Has not been previously published as pathogenic or benign to our knowledge